The following is an entry in ClinVar:

ClinVar aggregate classification (germline): Benign/Likely benign. Review status: criteria provided, multiple submitters, no conflicts (2 of 4 stars). 3 submissions from 3 submitters: Benign (1); Likely benign (2). Last evaluated 2020-02-03.

Conditions:
Multiple sulfatase deficiency (MSD). Also called: Mucosulfatidosis; Multiple Sulfatase Deficiency Disease; Sulfatidosis, Juvenile, Austin Type. Identifiers: Orphanet 585, MedGen C0268263, MONDO:0010088, OMIM 272200.

Allele frequency attached by ClinVar (database versions not stated): gnomAD exomes 0.00077; gnomAD 0.00731 and 0.00791; TOPMed 0.00790; 1000 Genomes Project 30x 0.00859; 1000 Genomes Project 0.00879.
gnomAD v4.1: 1,452 of 572,880 alleles (0.25%); highest among the groups gnomAD compares: African/African-American, 2.4%; 20 homozygotes.

Submissions (3):

GeneDx
Classification: Likely benign. Last evaluated: 2020-02-03. Review status: criteria provided, single submitter. Criteria: GeneDx Variant Classification Process June 2021. Collection method: clinical testing. Allele origin: germline. Affected: yes.

Illumina Laboratory Services, Illumina
Classification: Benign for Multiple sulfatase deficiency. Last evaluated: 2018-01-12. Review status: criteria provided, single submitter. Criteria: ICSL Variant Classification Criteria 13 December 2019. Collection method: clinical testing. Allele origin: germline.
Comment: This variant was observed in the ICSL laboratory as part of a predisposition screen in an ostensibly healthy population. It had not been previously curated by ICSL or reported in the Human Gene Mutation Database (HGMD: prior to June 1st, 2018), and was therefore a candidate for classification through an automated scoring system. Utilizing variant allele frequency, disease prevalence and penetrance estimates, and inheritance mode, an automated score was calculated to assess if this variant is too frequent to cause the disease. Based on the score and internal cut-off values, a variant classified as benign is not then subjected to further curation. The score for this variant resulted in a classification of benign for this disease.

Breakthrough Genomics
Classification: Likely benign. Review status: criteria provided, single submitter. Criteria: ACMG Guidelines, 2015. Collection method: not provided. Allele origin: germline. Inheritance: Autosomal recessive inheritance. Affected: yes.

NM_182760.4(SUMF1):c.*210C>T

Gene: SUMF1 (sulfatase modifying factor 1; minus strand). Cytogenetic location: 3p26.1.
Variant type: single nucleotide variant.
Coding change: c.*210C>T on transcript NM_182760.4 (MANE Select); 210 bases downstream of the stop codon, C replaced by T.
Molecular consequence: 3 prime UTR variant.
Genome position (GRCh38, 1-based): chr3:4,361,934, G>A on the plus strand (C>T on the coding strand, the complement: SUMF1 is on the minus strand). VCF-style: chr3-4361934-G-A. GRCh37 (hg19) VCF-style: chr3-4403618-G-A.
Other names: c.*210C>T (NM_001164674.2, NM_001164675.2).
Identifiers: ClinVar variation 903015 (VCV000903015.6), dbSNP rs115376966, ClinGen allele CA68749238.